The following is an entry in ClinVar:

NM_018389.5(SLC35C1):c.336G>A (p.Arg112=)

Gene: SLC35C1 (solute carrier family 35 member C1; plus strand). Cytogenetic location: 11p11.2.
Variant type: single nucleotide variant.
Coding change: c.336G>A on transcript NM_018389.5 (MANE Select); coding-DNA position 336, G replaced by A.
Protein change: p.Arg112=; no amino-acid change (arginine 112 retained).
Molecular consequence: synonymous variant.
Genome position (GRCh38, 1-based): chr11:45,806,137, G>A. VCF-style: chr11-45806137-G-A. GRCh37 (hg19) VCF-style: chr11-45827688-G-A.
Other names: c.297G>A, p.Arg99= (NM_001145265.2, NM_001145266.2).
Identifiers: ClinVar variation 1904959 (VCV001904959.7), dbSNP rs1348372856, ClinGen allele CA474036608.
Genomic context (GRCh38, chr11:45,806,137, plus strand): 5'-CGCTCTGGCCGCCTGCTGCCCTGGTGCCGTGGACTTCCCCAGCTTGCGCCTGGACCTCAG[G>A]GTGGCCCGCAGCGTCCTGCCCCTGTCGGTGGTCTTCATCGGCATGATCACCTTCAATAAC-3'
Protein context (NP_060859.4, residues 102-122): VDFPSLRLDL[Arg112=]VARSVLPLSV

ClinVar aggregate classification (germline): Likely benign. Review status: criteria provided, single submitter (1 of 4 stars). 2 submissions from 2 submitters: Likely benign (1). 1 of the submissions does not count toward it. Last evaluated 2025-12-09.

Conditions:
SLC35C1-related disorder. Also called: SLC35C1-related condition.
Leukocyte adhesion deficiency type II. Also called: Congenital disorder of glycosylation type 2C; CDG 2C; Leukocyte adhesion deficiency type 2; Rambam Hasharon syndrome; CONGENITAL DISORDER OF GLYCOSYLATION, TYPE IIc; CDG IIc. Identifiers: Orphanet 2968, Orphanet 99843, MedGen C0398739, MONDO:0009953, OMIM 266265.

Allele frequency attached by ClinVar (database versions not stated): gnomAD exomes 0.00001.

Submissions (2):

Labcorp Genetics (formerly Invitae), Labcorp
Classification: Likely benign for Leukocyte adhesion deficiency type II. Last evaluated: 2025-12-09. Review status: criteria provided, single submitter. Criteria: Invitae Variant Classification Sherloc (09022015). Collection method: clinical testing. Allele origin: germline.

PreventionGenetics, part of Exact Sciences
Classification: Likely benign for SLC35C1-related condition. Last evaluated: 2019-04-30. Review status: no assertion criteria provided. Collection method: clinical testing. Allele origin: germline. Not counted in ClinVar's aggregate classification.
Comment: This variant is classified as likely benign based on ACMG/AMP sequence variant interpretation guidelines (Richards et al. 2015 PMID: 25741868, with internal and published modifications).